The following is an entry in ClinVar:

NM_000553.6(WRN):c.3974T>A (p.Val1325Asp)

Gene: WRN (WRN RecQ like helicase; plus strand). Cytogenetic location: 8p12.
Variant type: single nucleotide variant.
Coding change: c.3974T>A on transcript NM_000553.6 (MANE Select); coding-DNA position 3974, T replaced by A.
Protein change: p.Val1325Asp; replaces valine 1325 with aspartic acid.
Molecular consequence: missense variant.
Genome position (GRCh38, 1-based): chr8:31,157,522, T>A. VCF-style: chr8-31157522-T-A. GRCh37 (hg19) VCF-style: chr8-31015038-T-A.
Other names: short protein forms V1325D.
Identifiers: ClinVar variation 1502297 (VCV001502297.8), dbSNP rs2130481555, ClinGen allele CA370929720.

ClinVar aggregate classification (germline): Uncertain significance (1 of 4 stars; one submission).

Conditions:
Werner syndrome (WRN). Identifiers: Orphanet 902, MedGen C0043119, MONDO:0010196, OMIM 277700.

Submission:

Labcorp Genetics (formerly Invitae), Labcorp
Classification: Uncertain significance for Werner syndrome. Last evaluated: 2022-11-15. Review status: criteria provided, single submitter. Criteria: Invitae Variant Classification Sherloc (09022015). Collection method: clinical testing. Allele origin: germline.
Comment: This variant is not present in population databases (gnomAD no frequency). This sequence change replaces valine with aspartic acid at codon 1325 of the WRN protein (p.Val1325Asp). The valine residue is weakly conserved and there is a large physicochemical difference between valine and aspartic acid. ClinVar contains an entry for this variant (Variation ID: 1502297). Algorithms developed to predict the effect of missense changes on protein structure and function are either unavailable or do not agree on the potential impact of this missense change (SIFT: "Not Available"; PolyPhen-2: "Possibly Damaging"; Align-GVGD: "Not Available"). This variant has not been reported in the literature in individuals affected with WRN-related conditions. In summary, the available evidence is currently insufficient to determine the role of this variant in disease. Therefore, it has been classified as a Variant of Uncertain Significance.